The following is an entry in ClinVar:

Conditions:
Breast-ovarian cancer, familial, susceptibility to, 1 (BROVCA1). Also called: BRCA1 Hereditary Breast and Ovarian Cancer; OVARIAN CANCER, SUSCEPTIBILITY TO. Identifiers: Orphanet 145, MedGen C2676676, MONDO:0011450, OMIM 604370. Disease mechanism: loss of function.

Submission:

Brotman Baty Institute, University of Washington
No classification provided (evidence only). Condition: Breast-ovarian cancer, familial 1. Review status: no classification provided. Collection method: in vitro. Allele origin: not applicable. Functional consequence: functionally_normal.
ClinVar note: "not provided" was previously submitted as the classification for the variant. However, the classification appeared to be based only on an observation of functional data so it was converted to no classification on 2025-07-30.

NM_007294.4(BRCA1):c.4898G>T (p.Ser1633Ile)

Gene: BRCA1 (BRCA1 DNA repair associated; minus strand). Cytogenetic location: 17q21.31.
Variant type: single nucleotide variant.
Coding change: c.4898G>T on transcript NM_007294.4 (MANE Select); coding-DNA position 4898, G replaced by T.
Protein change: p.Ser1633Ile; replaces serine 1633 with isoleucine.
Molecular consequence: missense variant. On other transcripts: non-coding transcript variant (1).
Genome position (GRCh38, 1-based): chr17:43,071,016, C>A on the plus strand (G>T on the coding strand, the complement: BRCA1 is on the minus strand). VCF-style: chr17-43071016-C-A. GRCh37 (hg19) VCF-style: chr17-41223033-C-A.
Other names: c.4685G>T, p.Ser1562Ile (NM_001407571.1, NM_001407895.1, NM_001407896.1 and 12 more transcripts); c.4964G>T, p.Ser1655Ile (NM_001407581.1, NM_001407582.1); c.4961G>T, p.Ser1654Ile (NM_001407583.1, NM_001407585.1, NM_001407587.1 and 1 more transcripts); c.4958G>T, p.Ser1653Ile (NM_001407590.1, NM_001407591.1); c.4898G>T, p.Ser1633Ile (NM_001407593.1, NM_001407594.1, NM_001407596.1 and 8 more transcripts); c.4895G>T, p.Ser1632Ile (NM_001407610.1, NM_001407611.1, NM_001407612.1 and 17 more transcripts); c.4892G>T, p.Ser1631Ile (NM_001407627.1, NM_001407628.1, NM_001407629.1 and 14 more transcripts); c.4889G>T, p.Ser1630Ile (NM_001407644.1, NM_001407645.1); and 70 more; short protein forms S1654I, S1586I, S529I, S1633I, S1479I, S1521I, S1522I, S1544I.
Identifiers: ClinVar variation 865665 (VCV000865665.3), dbSNP rs2052385316, ClinGen allele CA10591728.